The following is an entry in ClinVar:

NM_001035.3(RYR2):c.4367G>T (p.Gly1456Val)

Gene: RYR2 (ryanodine receptor 2; plus strand). Cytogenetic location: 1q43.
Variant type: single nucleotide variant.
Coding change: c.4367G>T on transcript NM_001035.3 (MANE Select); coding-DNA position 4367, G replaced by T.
Protein change: p.Gly1456Val; replaces glycine 1456 with valine.
Molecular consequence: missense variant.
Genome position (GRCh38, 1-based): chr1:237,593,567, G>T. VCF-style: chr1-237593567-G-T. GRCh37 (hg19) VCF-style: chr1-237756867-G-T.
Other names: short protein forms G1456V.
Identifiers: ClinVar variation 4770162 (VCV004770162.1).
Genomic context (GRCh38, chr1:237,593,567, plus strand): 5'-AAGAACCTGCTAATGTCTGGGTGGGCTGGATTACATCAGATTTCCATCAGTATGACACAG[G>T]CTTTGACTTGGACAGAGTTCGCACAGTAACAGTTACTCTAGGAGATGAAAAAGGAAAAGT-3'
Protein context (NP_001026.2, residues 1446-1466): ITSDFHQYDT[Gly1456Val]FDLDRVRTVT

ClinVar aggregate classification (germline): Uncertain significance (1 of 4 stars; one submission).

Conditions:
Catecholaminergic polymorphic ventricular tachycardia 1. Also called: VENTRICULAR TACHYCARDIA, STRESS-INDUCED POLYMORPHIC 1; RYR2-Related Catecholaminergic Polymorphic Ventricular Tachycardia; VENTRICULAR TACHYCARDIA, CATECHOLAMINERGIC POLYMORPHIC, 1, WITH OR WITHOUT ATRIAL DYSFUNCTION AND/OR DILATED CARDIOMYOPATHY. Identifiers: Orphanet 3286, MedGen C1631597, MONDO:0011484, OMIM 604772.

Submission:

Labcorp Genetics (formerly Invitae), Labcorp
Classification: Uncertain significance for Catecholaminergic polymorphic ventricular tachycardia 1. Last evaluated: 2025-12-16. Review status: criteria provided, single submitter. Criteria: Invitae Variant Classification Sherloc (09022015). Collection method: clinical testing. Allele origin: germline.
Comment: This sequence change replaces glycine, which is neutral and non-polar, with valine, which is neutral and non-polar, at codon 1456 of the RYR2 protein (p.Gly1456Val). This variant is not present in population databases (gnomAD no frequency). This variant has not been reported in the literature in individuals affected with RYR2-related conditions. Invitae Evidence Modeling of protein sequence and biophysical properties (such as structural, functional, and spatial information, amino acid conservation, physicochemical variation, residue mobility, and thermodynamic stability) indicates that this missense variant is not expected to disrupt RYR2 protein function with a negative predictive value of 95%. In summary, the available evidence is currently insufficient to determine the role of this variant in disease. Therefore, it has been classified as a Variant of Uncertain Significance.